The following is an entry in ClinVar:

ClinVar aggregate classification (germline): Uncertain significance (1 of 4 stars; one submission).

Submission:

Labcorp Genetics (formerly Invitae), Labcorp
Classification: Uncertain significance. Last evaluated: 2022-04-16. Review status: criteria provided, single submitter. Criteria: Invitae Variant Classification Sherloc (09022015). Collection method: clinical testing. Allele origin: germline.
Comment: In summary, the available evidence is currently insufficient to determine the role of this variant in disease. Therefore, it has been classified as a Variant of Uncertain Significance. Algorithms developed to predict the effect of sequence changes on RNA splicing suggest that this variant is not likely to affect RNA splicing. This variant has not been reported in the literature in individuals affected with HMCN1-related conditions. This variant is not present in population databases (gnomAD no frequency). This sequence change affects codon 3192 of the HMCN1 mRNA. It is a 'silent' change, meaning that it does not change the encoded amino acid sequence of the HMCN1 protein. It affects a nucleotide within the consensus splice site.

NM_031935.3(HMCN1):c.9576A>C (p.Ile3192=)

Gene: HMCN1 (hemicentin 1; plus strand). Cytogenetic location: 1q31.1.
Variant type: single nucleotide variant.
Coding change: c.9576A>C on transcript NM_031935.3 (MANE Select); coding-DNA position 9576, A replaced by C.
Protein change: p.Ile3192=; no amino-acid change (isoleucine 3192 retained).
Molecular consequence: synonymous variant.
Genome position (GRCh38, 1-based): chr1:186,088,275, A>C. VCF-style: chr1-186088275-A-C. GRCh37 (hg19) VCF-style: chr1-186057407-A-C.
Identifiers: ClinVar variation 2126745 (VCV002126745.4), dbSNP rs1158486767, ClinGen allele CA422332643.